The following is an entry in ClinVar:

ClinVar aggregate classification (germline): Likely benign (0 of 4 stars; one submission).

Conditions:
TRPC5-related disorder. Also called: TRPC5-related condition.

Allele frequency attached by ClinVar (database versions not stated): gnomAD exomes 0.00012; ExAC 0.00037; gnomAD 0.00108; TOPMed 0.00119; ESP Exome Variant Server 0.00123; 1000 Genomes Project 0.00132; 1000 Genomes Project 30x 0.00146.
gnomAD v4.1: 251 of 1,209,794 alleles (0.021%); highest among the groups gnomAD compares: African/African-American, 0.38%; 1 homozygote.

Submission:

PreventionGenetics, part of Exact Sciences
Classification: Likely benign for TRPC5-related condition. Last evaluated: 2019-09-10. Review status: no assertion criteria provided. Collection method: clinical testing. Allele origin: germline.
Comment: This variant is classified as likely benign based on ACMG/AMP sequence variant interpretation guidelines (Richards et al. 2015 PMID: 25741868, with internal and published modifications).

NM_012471.3(TRPC5):c.2367G>T (p.Gly789=)

Gene: TRPC5 (transient receptor potential cation channel subfamily C member 5; minus strand). Cytogenetic location: Xq23.
Variant type: single nucleotide variant.
Coding change: c.2367G>T on transcript NM_012471.3 (MANE Select); coding-DNA position 2367, G replaced by T.
Protein change: p.Gly789=; no amino-acid change (glycine 789 retained).
Molecular consequence: synonymous variant.
Genome position (GRCh38, 1-based): chrX:111,776,868, C>A on the plus strand (G>T on the coding strand, the complement: TRPC5 is on the minus strand). VCF-style: chrX-111776868-C-A. GRCh37 (hg19) VCF-style: chrX-111020096-C-A.
Identifiers: ClinVar variation 3042699 (VCV003042699.2), dbSNP rs141761268, ClinGen allele CA10494160.